The following is an entry in ClinVar:

NM_030973.4(MED25):c.1955A>G (p.Asn652Ser)

Gene: MED25 (mediator complex subunit 25; plus strand). Cytogenetic location: 19q13.33.
Variant type: single nucleotide variant.
Coding change: c.1955A>G on transcript NM_030973.4 (MANE Select); coding-DNA position 1955, A replaced by G.
Protein change: p.Asn652Ser; replaces asparagine 652 with serine.
Molecular consequence: missense variant.
Genome position (GRCh38, 1-based): chr19:49,835,935, A>G. VCF-style: chr19-49835935-A-G. GRCh37 (hg19) VCF-style: chr19-50339192-A-G.
Other names: c.1955A>G, p.Asn652Ser (NM_001378355.1); short protein forms N652S.
Identifiers: ClinVar variation 1040895 (VCV001040895.6), dbSNP rs1051416581, ClinGen allele CA309520802.

ClinVar aggregate classification (germline): Uncertain significance (1 of 4 stars; one submission).

Conditions:
Charcot-Marie-Tooth disease type 2. Also called: Charcot-Marie-Tooth type 2. Identifiers: Orphanet 64746, MedGen C0270914, MONDO:0018993.

Submission:

Labcorp Genetics (formerly Invitae), Labcorp
Classification: Uncertain significance for Charcot-Marie-Tooth disease type 2. Last evaluated: 2022-08-31. Review status: criteria provided, single submitter. Criteria: Invitae Variant Classification Sherloc (09022015). Collection method: clinical testing. Allele origin: germline.
Comment: In summary, the available evidence is currently insufficient to determine the role of this variant in disease. Therefore, it has been classified as a Variant of Uncertain Significance. Algorithms developed to predict the effect of sequence changes on RNA splicing suggest that this variant may create or strengthen a splice site. Algorithms developed to predict the effect of missense changes on protein structure and function (SIFT, PolyPhen-2, Align-GVGD) all suggest that this variant is likely to be tolerated. ClinVar contains an entry for this variant (Variation ID: 1040895). This variant has not been reported in the literature in individuals affected with MED25-related conditions. This variant is not present in population databases (gnomAD no frequency). This sequence change replaces asparagine, which is neutral and polar, with serine, which is neutral and polar, at codon 652 of the MED25 protein (p.Asn652Ser).